The following is an entry in ClinVar:

NM_022166.4(XYLT1):c.2344G>A (p.Val782Ile)

Gene: XYLT1 (xylosyltransferase 1; minus strand). Cytogenetic location: 16p12.3.
Variant type: single nucleotide variant.
Coding change: c.2344G>A on transcript NM_022166.4 (MANE Select); coding-DNA position 2344, G replaced by A.
Protein change: p.Val782Ile; replaces valine 782 with isoleucine.
Molecular consequence: missense variant.
Genome position (GRCh38, 1-based): chr16:17,117,859, C>T on the plus strand (G>A on the coding strand, the complement: XYLT1 is on the minus strand). VCF-style: chr16-17117859-C-T. GRCh37 (hg19) VCF-style: chr16-17211716-C-T.
Other names: c.2344G>A (NM_022166.3); short protein forms V782I.
Identifiers: ClinVar variation 999593 (VCV000999593.5), dbSNP rs778581218, ClinGen allele CA7927595.

ClinVar aggregate classification (germline): Uncertain significance. Review status: criteria provided, multiple submitters, no conflicts (2 of 4 stars). 2 submissions from 2 submitters: Uncertain significance (2). Last evaluated 2025-11-05.

Conditions:
Inborn genetic diseases. Identifiers: MedGen C0950123, MeSH D030342.
Desbuquois dysplasia 1 (DBQD1). Also called: MICROMELIC DWARFISM WITH VERTEBRAL AND METAPHYSEAL ABNORMALITIES AND ADVANCED CARPOTARSAL OSSIFICATION; DESBUQUOIS DYSPLASIA 1, KIM VARIANT. Identifiers: Orphanet 1425, MedGen C4012146, MONDO:0009629, OMIM 251450.

Allele frequency attached by ClinVar (database versions not stated): gnomAD exomes 0.00004 and 0.00003; gnomAD 0.00007 and 0.00008; ExAC 0.00007; TOPMed 0.00010.
gnomAD v4.1: 53 of 1,613,980 alleles (0.0033%); highest among the groups gnomAD compares: South Asian, 0.012%; no homozygotes.

Submissions (2):

Ambry Genetics
Classification: Uncertain significance for Inborn genetic diseases. Last evaluated: 2025-11-05. Review status: criteria provided, single submitter. Criteria: Ambry Variant Classification Scheme 2023. Collection method: clinical testing. Allele origin: germline.

Labcorp Genetics (formerly Invitae), Labcorp
Classification: Uncertain significance for Desbuquois dysplasia 1. Last evaluated: 2022-03-10. Review status: criteria provided, single submitter. Criteria: Invitae Variant Classification Sherloc (09022015). Collection method: clinical testing. Allele origin: germline.
Comment: This sequence change replaces valine, which is neutral and non-polar, with isoleucine, which is neutral and non-polar, at codon 782 of the XYLT1 protein (p.Val782Ile). This variant is present in population databases (rs778581218, gnomAD 0.01%). This variant has not been reported in the literature in individuals affected with XYLT1-related conditions. ClinVar contains an entry for this variant (Variation ID: 999593). Algorithms developed to predict the effect of missense changes on protein structure and function output the following: SIFT: "Tolerated"; PolyPhen-2: "Benign"; Align-GVGD: "Class C0". The isoleucine amino acid residue is found in multiple mammalian species, which suggests that this missense change does not adversely affect protein function. In summary, the available evidence is currently insufficient to determine the role of this variant in disease. Therefore, it has been classified as a Variant of Uncertain Significance.